The following is an entry in ClinVar:

ClinVar aggregate classification (germline): Benign/Likely benign. Review status: criteria provided, multiple submitters, no conflicts (2 of 4 stars). 2 submissions from 2 submitters: Benign (1); Likely benign (1). Last evaluated 2018-03-29.

Conditions:
Maturity-onset diabetes of the young (MODY). Also called: Maturity onset diabetes mellitus in young. Identifiers: Orphanet 552, MedGen C0342276, MONDO:0018911, HP:0004904.

Submissions (2):

Labcorp Genetics (formerly Invitae), Labcorp
Classification: Likely benign. Last evaluated: 2018-03-29. Review status: criteria provided, single submitter. Criteria: Invitae Variant Classification Sherloc (09022015). Collection method: clinical testing. Allele origin: germline.

Clinical Genomics, Uppaluri K&H Personalized Medicine Clinic
Classification: Benign for Maturity-onset diabetes of the young. Review status: criteria provided, single submitter. Criteria: K & H Uppaluri Personalized Medicine Clinic Variant Classification & Assertion Criteria_Updated V.1. Collection method: research. Allele origin: unknown. Inheritance: Autosomal dominant inheritance.
Comment: Potent mutations in HNF4A are associated with poor insulin secretion in response to hyperglycemia. Associated with MODY1. Patients initially respond well to sulfonylureas but eventually become insulin dependent. However, more evidence is required to ascertain the role of this particular variant rs1600723028 in MODY, yet.

Literature cited by the submitters: DOI 10.1159/000334532 (cited by Clinical Genomics, Uppaluri K&H Personalized Medicine Clinic); PubMed 18268044 (cited by Clinical Genomics, Uppaluri K&H Personalized Medicine Clinic); PubMed 17563455 (cited by Clinical Genomics, Uppaluri K&H Personalized Medicine Clinic); PubMed 32583173 (cited by Clinical Genomics, Uppaluri K&H Personalized Medicine Clinic); PubMed 35052457 (cited by Clinical Genomics, Uppaluri K&H Personalized Medicine Clinic); PubMed 35118593 (cited by Clinical Genomics, Uppaluri K&H Personalized Medicine Clinic).

NM_175914.5(HNF4A):c.426+7G>C

Gene: HNF4A (hepatocyte nuclear factor 4 alpha; plus strand). Cytogenetic location: 20q13.12.
Variant type: single nucleotide variant.
Coding change: c.426+7G>C on transcript NM_175914.5 (MANE Select); 7 bases into the intron after coding-DNA position 426, G replaced by C.
Molecular consequence: intron variant.
Genome position (GRCh38, 1-based): chr20:44,413,807, G>C. VCF-style: chr20-44413807-G-C. GRCh37 (hg19) VCF-style: chr20-43042447-G-C.
Other names: c.417+7G>C (NM_001287182.2, NM_001287183.2, NM_001287184.2); c.426+7G>C (NM_001030003.3, NM_001030004.3); c.471+7G>C (NM_001258355.2); c.492+7G>C (NM_178849.3, NM_000457.6, NM_178850.3).
Identifiers: ClinVar variation 737678 (VCV000737678.4), dbSNP rs1600723028, ClinGen allele CA915953145.